The following is an entry in ClinVar:

ClinVar aggregate classification (germline): Likely benign (0 of 4 stars; one submission).

Conditions:
NCAPD3-related disorder. Also called: NCAPD3-related condition.

Allele frequency attached by ClinVar (database versions not stated): gnomAD 0.00006; ExAC 0.00008; ESP Exome Variant Server 0.00008.
gnomAD v4.1: 63 of 1,613,852 alleles (0.0039%); highest among the groups gnomAD compares: Admixed American, 0.005%; no homozygotes.

Submission:

PreventionGenetics, part of Exact Sciences
Classification: Likely benign for NCAPD3-related condition. Last evaluated: 2022-10-11. Review status: no assertion criteria provided. Collection method: clinical testing. Allele origin: germline.
Comment: This variant is classified as likely benign based on ACMG/AMP sequence variant interpretation guidelines (Richards et al. 2015 PMID: 25741868, with internal and published modifications).

NM_015261.3(NCAPD3):c.1125C>A (p.Ala375=)

Gene: NCAPD3 (non-SMC condensin II complex subunit D3; minus strand). Cytogenetic location: 11q25.
Variant type: single nucleotide variant.
Coding change: c.1125C>A on transcript NM_015261.3 (MANE Select); coding-DNA position 1125, C replaced by A.
Protein change: p.Ala375=; no amino-acid change (alanine 375 retained).
Molecular consequence: synonymous variant.
Genome position (GRCh38, 1-based): chr11:134,204,136, G>T on the plus strand (C>A on the coding strand, the complement: NCAPD3 is on the minus strand). VCF-style: chr11-134204136-G-T. GRCh37 (hg19) VCF-style: chr11-134074031-G-T.
Other names: c.1125C>A, p.Ala375= (NM_001372065.1, NM_001372068.1); c.711C>A, p.Ala237= (NM_001372069.1, NM_001372070.1).
Identifiers: ClinVar variation 3030992 (VCV003030992.2), dbSNP rs376426761, ClinGen allele CA6371766.